The following is an entry in ClinVar:

NM_005262.3(GFER):c.558C>T (p.Phe186=)

Gene: GFER (growth factor, augmenter of liver regeneration; plus strand). Cytogenetic location: 16p13.3.
Variant type: single nucleotide variant.
Coding change: c.558C>T on transcript NM_005262.3 (MANE Select); coding-DNA position 558, C replaced by T.
Protein change: p.Phe186=; no amino-acid change (phenylalanine 186 retained).
Molecular consequence: synonymous variant.
Genome position (GRCh38, 1-based): chr16:1,985,968, C>T. VCF-style: chr16-1985968-C-T. GRCh37 (hg19) VCF-style: chr16-2035969-C-T.
Other names: c.558C>T (NM_005262.2).
Identifiers: ClinVar variation 2186348 (VCV002186348.6), dbSNP rs142220504, ClinGen allele CA7826088.
Genomic context (GRCh38, chr16:1,985,968, plus strand): 5'-CACACAGTGGCTGTGCCACCTGCACAATGAAGTGAACCGCAAGCTGGGCAAGCCTGACTT[C>T]GACTGCTCAAAAGTGGATGAGCGCTGGCGCGACGGCTGGAAGGATGGCTCCTGTGACTAG-3'
Protein context (NP_005253.3, residues 176-196): EVNRKLGKPD[Phe186=]DCSKVDERWR

ClinVar aggregate classification (germline): Likely benign. Review status: criteria provided, single submitter (1 of 4 stars). 2 submissions from 2 submitters: Likely benign (1). 1 of the submissions does not count toward it. Last evaluated 2025-12-17.

Conditions:
GFER-related disorder. Also called: GFER-related condition.

Allele frequency attached by ClinVar (database versions not stated): 1000 Genomes Project 0.00040; 1000 Genomes Project 30x 0.00062.

Submissions (2):

Labcorp Genetics (formerly Invitae), Labcorp
Classification: Likely benign. Last evaluated: 2025-12-17. Review status: criteria provided, single submitter. Criteria: Invitae Variant Classification Sherloc (09022015). Collection method: clinical testing. Allele origin: germline.

PreventionGenetics, part of Exact Sciences
Classification: Likely benign for GFER-related condition. Last evaluated: 2019-04-08. Review status: no assertion criteria provided. Collection method: clinical testing. Allele origin: germline. Not counted in ClinVar's aggregate classification.
Comment: This variant is classified as likely benign based on ACMG/AMP sequence variant interpretation guidelines (Richards et al. 2015 PMID: 25741868, with internal and published modifications).